The following is an entry in ClinVar:

NM_024675.4(PALB2):c.422A>C (p.Gln141Pro)

Gene: PALB2 (partner and localizer of BRCA2; minus strand). Cytogenetic location: 16p12.2.
Variant type: single nucleotide variant.
Coding change: c.422A>C on transcript NM_024675.4 (MANE Select); coding-DNA position 422, A replaced by C.
Protein change: p.Gln141Pro; replaces glutamine 141 with proline.
Molecular consequence: missense variant. On other transcripts: 5 prime UTR variant (8), intron variant (3).
Genome position (GRCh38, 1-based): chr16:23,636,124, T>G on the plus strand (A>C on the coding strand, the complement: PALB2 is on the minus strand). VCF-style: chr16-23636124-T-G. GRCh37 (hg19) VCF-style: chr16-23647445-T-G.
Other names: c.362A>C, p.Gln121Pro (NM_001407296.1); c.422A>C, p.Gln141Pro (NM_001407297.1, NM_001407298.1, NM_001407299.1 and 3 more transcripts); c.-464A>C (NM_001407304.1, NM_001407305.1, NM_001407306.1 and 5 more transcripts); c.48+4986A>C (NM_001407314.1); c.-105+4986A>C (NM_001407313.1, NM_001407312.1); short protein forms Q121P, Q141P.
Identifiers: ClinVar variation 3413484 (VCV003413484.1).

ClinVar aggregate classification (germline): Uncertain significance (1 of 4 stars; one submission).

Conditions:
Hereditary cancer-predisposing syndrome. Also called: Neoplastic Syndromes, Hereditary; Tumor predisposition; Hereditary Cancer Syndrome; Hereditary neoplastic syndrome. Identifiers: Orphanet 140162, MedGen C0027672, MeSH D009386, MONDO:0015356.

Submission:

Ambry Genetics
Classification: Uncertain significance for Hereditary cancer-predisposing syndrome. Last evaluated: 2024-10-19. Review status: criteria provided, single submitter. Criteria: Ambry Variant Classification Scheme 2023. Collection method: clinical testing. Allele origin: germline.
Comment: The p.Q141P variant (also known as c.422A>C), located in coding exon 4 of the PALB2 gene, results from an A to C substitution at nucleotide position 422. The glutamine at codon 141 is replaced by proline, an amino acid with similar properties. This amino acid position is conserved. In addition, this alteration is predicted to be tolerated by in silico analysis. Based on the available evidence, the clinical significance of this variant remains unclear.